The following is an entry in ClinVar:

ClinVar aggregate classification (germline): Likely pathogenic (1 of 4 stars; one submission).

gnomAD v4.1: 4 of 1,597,048 alleles (0.00025%); highest among the groups gnomAD compares: Non-Finnish European, 0.00034%; no homozygotes.

Submission:

Labcorp Genetics (formerly Invitae), Labcorp
Classification: Likely pathogenic. Last evaluated: 2022-10-17. Review status: criteria provided, single submitter. Criteria: Invitae Variant Classification Sherloc (09022015). Collection method: clinical testing. Allele origin: germline.
Comment: This sequence change affects an acceptor splice site in intron 5 of the C7 gene. It is expected to disrupt RNA splicing. Variants that disrupt the donor or acceptor splice site typically lead to a loss of protein function (PMID: 16199547), and loss-of-function variants in C7 are known to be pathogenic (PMID: 9856499, 17407100). This variant is present in population databases (no rsID available, gnomAD 0.002%). This variant has not been reported in the literature in individuals affected with C7-related conditions. Algorithms developed to predict the effect of sequence changes on RNA splicing suggest that this variant may disrupt the consensus splice site. In summary, the currently available evidence indicates that the variant is pathogenic, but additional data are needed to prove that conclusively. Therefore, this variant has been classified as Likely Pathogenic.

Literature cited by the submitters: PubMed 16199547; PubMed 9856499; PubMed 17407100.

NM_000587.4(C7):c.429-2A>T

Gene: C7 (complement C7; plus strand). Cytogenetic location: 5p13.1.
Variant type: single nucleotide variant.
Coding change: c.429-2A>T on transcript NM_000587.4 (MANE Select); the canonical splice acceptor site of the intron before coding-DNA position 429, A replaced by T.
Molecular consequence: splice acceptor variant.
Genome position (GRCh38, 1-based): chr5:40,937,550, A>T. VCF-style: chr5-40937550-A-T. GRCh37 (hg19) VCF-style: chr5-40937652-A-T.
Identifiers: ClinVar variation 2185623 (VCV002185623.1), dbSNP rs1359084962, ClinGen allele CA359590828.
Genomic context (GRCh38, chr5:40,937,550, plus strand): 5'-GTGCTATTTCTGGTTTTTAACGGCTTTTTATTTCCTCCTTCTCCTCCTCCTCCTTTTAAC[A>T]GTTACAATGAACTCACTGGCCAGTTTAGGAACAGAGTCATCAATACCAAAAGTTTTGGTG-3'